The following is an entry in ClinVar:

ClinVar aggregate classification (germline): Pathogenic. Review status: criteria provided, multiple submitters, no conflicts (2 of 4 stars). 6 submissions from 6 submitters: Pathogenic (5). 1 of the submissions does not count toward it. Last evaluated 2026-01-19.

Conditions:
FAH-related disorders.
Tyrosinemia type I (TYRSN1). Also called: HEPATORENAL TYROSINEMIA; FAH DEFICIENCY; Tyrosinemia type 1; Fumarylacetoacetase deficiency; Deficiency of fumarylacetoacetase. Identifiers: Orphanet 882, MedGen C0268490, MONDO:0010161, OMIM 276700. Disease mechanism: loss of function.

Allele frequency attached by ClinVar (database versions not stated): gnomAD 0.00002; gnomAD exomes 0.00010 and 0.00002; ExAC 0.00003; TOPMed 0.00003.
gnomAD v4.1: 146 of 1,613,620 alleles (0.009%); highest among the groups gnomAD compares: Non-Finnish European, 0.012%; no homozygotes.

Submissions (6):

Labcorp Genetics (formerly Invitae), Labcorp
Classification: Pathogenic for Tyrosinemia type I. Last evaluated: 2026-01-19. Review status: criteria provided, single submitter. Criteria: Invitae Variant Classification Sherloc (09022015). Collection method: clinical testing. Allele origin: germline.
Comment: This sequence change creates a premature translational stop signal (p.Glu364*) in the FAH gene. It is expected to result in an absent or disrupted protein product. Loss-of-function variants in FAH are known to be pathogenic (PMID: 9101289, 9633815). This variant is present in population databases (rs121965076, gnomAD 0.008%). This premature translational stop signal has been observed in individual(s) with tyrosinemia type I (PMID: 8318997). ClinVar contains an entry for this variant (Variation ID: 11867). For these reasons, this variant has been classified as Pathogenic.

Natera, Inc.
Classification: Pathogenic for Tyrosinemia type I. Last evaluated: 2026-01-04. Review status: criteria provided, single submitter. Criteria: Natera Variant Classification Schema (03/2026). Collection method: clinical testing. Allele origin: germline.
Comment: The c.1090G>T variant in FAH is a nonsense variant predicted to introduce a stop codon at amino acid 364. This variant is expected to result in nonsense mediated decay, truncation, or a dysfunctional protein product. This variant is rare in the general population with a frequency below the threshold expected for the associated phenotype(s). This variant has been observed in one or more individuals affected with the associated recessive disease, as either homozygous or compound heterozygous with a second variant (PMID: 8318997). Given the available evidence, this variant is classified as Pathogenic.

Blueprint Genetics
Classification: Pathogenic for FAH-related disorders. Last evaluated: 2024-05-27. Review status: criteria provided, single submitter. Criteria: ACMG Guidelines, 2015. Collection method: clinical testing. Allele origin: germline. Affected: yes. Observed: 3 variant alleles.

GeneDx
Classification: Pathogenic. Last evaluated: 2023-01-30. Review status: criteria provided, single submitter. Criteria: GeneDx Variant Classification Process June 2021. Collection method: clinical testing. Allele origin: germline. Affected: yes.
Comment: Nonsense variant predicted to result in protein truncation or nonsense mediated decay in a gene for which loss of function is a known mechanism of disease; Not observed at significant frequency in large population cohorts (gnomAD); This variant is associated with the following publications: (PMID: 25087612, 25525159, 29625052, 26689913, 10073910, 8318997)

Women's Health and Genetics/Laboratory Corporation of America, LabCorp
Classification: Pathogenic for Tyrosinemia type I. Last evaluated: 2020-10-02. Review status: criteria provided, single submitter. Criteria: LabCorp Variant Classification Summary - May 2015. Collection method: clinical testing. Allele origin: germline.
Comment: Variant summary: FAH c.1090G>T (p.Glu364X) results in a premature termination codon, predicted to cause a truncation of the encoded protein or absence of the protein due to nonsense mediated decay, which are commonly known mechanisms for disease. Truncations downstream of this position have been classified as pathogenic by our laboratory. The variant allele was found at a frequency of 2.4e-05 in 251474 control chromosomes. c.1090G>T has been reported in the literature in individuals affected with Tyrosinemia Type 1 (Grompe_1994, Poudrier_1999). These data indicate that the variant is likely to be associated with disease. No clinical diagnostic laboratories have submitted clinical-significance assessments for this variant to ClinVar after 2014. Based on the evidence outlined above, the variant was classified as pathogenic.

OMIM
Classification: Pathogenic for TYROSINEMIA, TYPE I. Last evaluated: 1993-01-01. Review status: no assertion criteria provided. Collection method: literature only. Allele origin: germline. Not counted in ClinVar's aggregate classification.

Literature cited by the submitters: PubMed 9101289 (cited by Labcorp Genetics (formerly Invitae), Labcorp); PubMed 9633815 (cited by Labcorp Genetics (formerly Invitae), Labcorp); PubMed 8318997 (cited by 3 submitters); PubMed 8028615 (cited by Women's Health and Genetics/Laboratory Corporation of America, LabCorp); PubMed 15638932 (cited by Women's Health and Genetics/Laboratory Corporation of America, LabCorp); PubMed 10073910 (cited by Women's Health and Genetics/Laboratory Corporation of America, LabCorp).

NM_000137.4(FAH):c.1090G>T (p.Glu364Ter)

Gene: FAH (fumarylacetoacetate hydrolase; plus strand). Cytogenetic location: 15q25.1.
Variant type: single nucleotide variant.
Coding change: c.1090G>T on transcript NM_000137.4 (MANE Select); coding-DNA position 1090, G replaced by T.
Protein change: p.Glu364Ter; replaces glutamic acid 364 with a stop codon.
Molecular consequence: nonsense.
Genome position (GRCh38, 1-based): chr15:80,181,069, G>T. VCF-style: chr15-80181069-G-T. GRCh37 (hg19) VCF-style: chr15-80473411-G-T.
Other names: c.1090G>T, p.Glu364Ter (NM_001374377.1, NM_001374380.1); short protein forms E364*.
Identifiers: ClinVar variation 11867 (VCV000011867.21), dbSNP rs121965076, ClinGen allele CA256101.